The following is an entry in ClinVar:

ClinVar aggregate classification (germline): Uncertain significance (1 of 4 stars; one submission).

Conditions:
Microcephalic primordial dwarfism due to ZNF335 deficiency. Also called: Primary autosomal recessive microcephaly 10. Identifiers: Orphanet 329228, MedGen C3554499, MONDO:0014043, OMIM 615095.

Allele frequency attached by ClinVar (database versions not stated): TOPMed below 0.00001; gnomAD 0.00001; gnomAD exomes 0.00001; 1000 Genomes Project 30x 0.00016.

Submission:

Victorian Clinical Genetics Services, Murdoch Childrens Research Institute
Classification: Uncertain significance for Microcephalic primordial dwarfism due to ZNF335 deficiency. Last evaluated: 2023-07-17. Review status: criteria provided, single submitter. Criteria: ACMG Guidelines, 2015. Collection method: clinical testing. Allele origin: germline. Inheritance: Autosomal recessive inheritance. Affected: yes.
Comment: Based on the classification scheme VCGS_Germline_v1.3.4, this variant is classified as VUS-3B. Following criteria are met: 0102 - Loss of function is a known mechanism of disease in this gene and is associated with primary microcephaly 10 (MIM#615095). (I) 0106 - This gene is associated with autosomal recessive disease. (I) 0200 - Variant is predicted to result in a missense amino acid change from arginine to tryptophan. (I) 0251 - This variant is heterozygous. (I) 0304 - Variant is present in gnomAD <0.01 (v3) for a recessive condition (1 heterozygote, 0 homozygotes). (SP) 0309 - An alternative amino acid change at the same position has been observed in gnomAD (v3) (5 heterozygotes, 0 homozygotes). (I) 0502 - Missense variant with conflicting in silico predictions and uninformative conservation. (I) 0600 - Variant is located in the annotated C2H2 zinc finger motif (NCBI). (I) 0710 - Another missense variant comparable to the one identified in this case has inconclusive previous evidence for pathogenicity. An alternative change to glutamine at the same residue has previously been classified as a VUS (ClinVar). (I) 0807 - This variant has no previous evidence of pathogenicity. (I) 0905 - No published segregation evidence has been identified for this variant. (I) Legend: (SP) - Supporting pathogenic, (I) - Information, (SB) - Supporting benign

NM_022095.4(ZNF335):c.2062C>T (p.Arg688Trp)

Gene: ZNF335 (zinc finger protein 335; minus strand). Cytogenetic location: 20q13.12.
Variant type: single nucleotide variant.
Coding change: c.2062C>T on transcript NM_022095.4 (MANE Select); coding-DNA position 2062, C replaced by T.
Protein change: p.Arg688Trp; replaces arginine 688 with tryptophan.
Molecular consequence: missense variant.
Genome position (GRCh38, 1-based): chr20:45,959,392, G>A on the plus strand (C>T on the coding strand, the complement: ZNF335 is on the minus strand). VCF-style: chr20-45959392-G-A. GRCh37 (hg19) VCF-style: chr20-44588031-G-A.
Other names: short protein forms R688W.
Identifiers: ClinVar variation 1806360 (VCV001806360.2), dbSNP rs763903826, ClinGen allele CA9885495.
Genomic context (GRCh38, chr20:45,959,392, plus strand): 5'-ATTCCTCGAAGCTGCTTGCGTGTCGGCACCGTACGTGCAGGCGCAGGTTCTTCTTGTGCC[G>A]TGTGCTGAAGTGGCAGTACTCACAGGCGAAGGGCTTGGCCCCTGGAGGCACATGTTGGGG-3'
Protein context (NP_071378.1, residues 678-698): FACEYCHFST[Arg688Trp]HKKNLRLHVR